The following is an entry in ClinVar:

NM_005591.4(MRE11):c.715G>C (p.Asp239His)

Gene: MRE11 (MRE11 double strand break repair nuclease; minus strand). Cytogenetic location: 11q21.
Variant type: single nucleotide variant.
Coding change: c.715G>C on transcript NM_005591.4 (MANE Select); coding-DNA position 715, G replaced by C.
Protein change: p.Asp239His; replaces aspartic acid 239 with histidine.
Molecular consequence: missense variant.
Genome position (GRCh38, 1-based): chr11:94,471,704, C>G on the plus strand (G>C on the coding strand, the complement: MRE11 is on the minus strand). VCF-style: chr11-94471704-C-G. GRCh37 (hg19) VCF-style: chr11-94204870-C-G.
Other names: c.715G>C, p.Asp239His (NM_001330347.2, NM_005590.4); short protein forms D239H.
Identifiers: ClinVar variation 656576 (VCV000656576.9), dbSNP rs1258698614, ClinGen allele CA382375839.

ClinVar aggregate classification (germline): Uncertain significance. Review status: criteria provided, multiple submitters, no conflicts (2 of 4 stars). 2 submissions from 2 submitters: Uncertain significance (2). Last evaluated 2025-08-22.

Conditions:
Ataxia-telangiectasia-like disorder (ATLD). Identifiers: MedGen C1858391, MONDO:0011457.
Hereditary cancer-predisposing syndrome. Also called: Hereditary neoplastic syndrome; Tumor predisposition; Neoplastic Syndromes, Hereditary; Hereditary Cancer Syndrome. Identifiers: Orphanet 140162, MedGen C0027672, MeSH D009386, MONDO:0015356.

Allele frequency attached by ClinVar (database versions not stated): gnomAD exomes below 0.00001; TOPMed 0.00002.
gnomAD v4.1: 2 of 1,612,538 alleles (0.00012%); highest among the groups gnomAD compares: Non-Finnish European, 0.00017%; no homozygotes.

Submissions (2):

Labcorp Genetics (formerly Invitae), Labcorp
Classification: Uncertain significance for Ataxia-telangiectasia-like disorder. Last evaluated: 2025-08-22. Review status: criteria provided, single submitter. Criteria: Invitae Variant Classification Sherloc (09022015). Collection method: clinical testing. Allele origin: germline.
Comment: This sequence change replaces aspartic acid, which is acidic and polar, with histidine, which is basic and polar, at codon 239 of the MRE11 protein (p.Asp239His). This variant is not present in population databases (gnomAD no frequency). This variant has not been reported in the literature in individuals affected with MRE11-related conditions. ClinVar contains an entry for this variant (Variation ID: 656576). An algorithm developed to predict the effect of missense changes on protein structure and function (PolyPhen-2) suggests that this variant is likely to be disruptive. In summary, the available evidence is currently insufficient to determine the role of this variant in disease. Therefore, it has been classified as a Variant of Uncertain Significance.

Ambry Genetics
Classification: Uncertain significance for Hereditary cancer-predisposing syndrome. Last evaluated: 2023-03-11. Review status: criteria provided, single submitter. Criteria: Ambry Variant Classification Scheme 2023. Collection method: clinical testing. Allele origin: germline.
Comment: The p.D239H variant (also known as c.715G>C), located in coding exon 7 of the MRE11A gene, results from a G to C substitution at nucleotide position 715. The aspartic acid at codon 239 is replaced by histidine, an amino acid with similar properties. This amino acid position is well conserved in available vertebrate species. In addition, this alteration is predicted to be deleterious by in silico analysis. Since supporting evidence is limited at this time, the clinical significance of this alteration remains unclear.